The following is an entry in ClinVar:

ClinVar aggregate classification (germline): Pathogenic (1 of 4 stars; one submission).

Conditions:
Hereditary cancer-predisposing syndrome. Also called: Tumor predisposition; Hereditary Cancer Syndrome; Neoplastic Syndromes, Hereditary; Hereditary neoplastic syndrome. Identifiers: Orphanet 140162, MedGen C0027672, MeSH D009386, MONDO:0015356.

Submission:

Ambry Genetics
Classification: Pathogenic for Hereditary cancer-predisposing syndrome. Last evaluated: 2024-06-26. Review status: criteria provided, single submitter. Criteria: Ambry Variant Classification Scheme 2023. Collection method: clinical testing. Allele origin: germline.
Comment: The c.8168_8169delGA variant, located in coding exon 55 of the ATM gene, results from a deletion of two nucleotides at nucleotide positions 8168 to 8169, causing a translational frameshift with a predicted alternate stop codon (p.R2723Tfs*13). This variant is considered to be rare based on population cohorts in the Genome Aggregation Database (gnomAD). This alteration is expected to result in loss of function by premature protein truncation or nonsense-mediated mRNA decay. As such, this alteration is interpreted as a disease-causing mutation.

NM_000051.4(ATM):c.8168_8169del (p.Arg2723fs)

Genes: ATM (ATM serine/threonine kinase; plus strand), C11orf65 (chromosome 11 open reading frame 65; minus strand). Cytogenetic location: 11q22.3.
Variant type: Microsatellite.
Coding change: c.8168_8169del on transcript NM_000051.4 (MANE Select); coding-DNA positions 8168 to 8169, 2 bases deleted (GA; older notation c.8168_8169delGA).
Protein change: p.Arg2723fs; shifts the reading frame from arginine 2723.
Molecular consequence: frameshift variant. On other transcripts: intron variant (2).
Genome position (GRCh38, 1-based): chr11:108,335,861-108,335,862, GA deleted; deleting any 2 consecutive bases within chr11:108,335,859-108,335,862 gives the same sequence; the c. name uses the placement nearest the transcript's 3' end. VCF-style (leftmost placement, unchanged base first): chr11-108335858-TGA-T. GRCh37 (hg19) VCF-style: chr11-108206585-TGA-T.
Other names: c.8168_8169del, p.Arg2723fs (NM_001351834.2); c.641-26789_641-26788del (NM_001330368.2); c.695-568_695-567del (NM_001351110.2); c.8168_8169delGA (NM_000051.3); short protein forms R2723fs.
Identifiers: ClinVar variation 3449731 (VCV003449731.1).